The following is an entry in ClinVar:

NM_002641.4(PIGA):c.215A>G (p.His72Arg)

Gene: PIGA (phosphatidylinositol glycan anchor biosynthesis class A; minus strand). Cytogenetic location: Xp22.2.
Variant type: single nucleotide variant.
Coding change: c.215A>G on transcript NM_002641.4 (MANE Select); coding-DNA position 215, A replaced by G.
Protein change: p.His72Arg; replaces histidine 72 with arginine.
Molecular consequence: missense variant. On other transcripts: non-coding transcript variant (1), intron variant (1).
Genome position (GRCh38, 1-based): chrX:15,331,716, T>C on the plus strand (A>G on the coding strand, the complement: PIGA is on the minus strand). VCF-style: chrX-15331716-T-C. GRCh37 (hg19) VCF-style: chrX-15349838-T-C.
Other names: c.13+3785A>G (NM_020473.3); short protein forms H72R.
Identifiers: ClinVar variation 1037518 (VCV001037518.9), dbSNP rs1922164501, ClinGen allele CA412340991.

ClinVar aggregate classification (germline): Uncertain significance (1 of 4 stars; one submission).

Conditions:
Multiple congenital anomalies-hypotonia-seizures syndrome 2 (MCAHS2). Also called: EPILEPTIC ENCEPHALOPATHY, EARLY INFANTILE, 20; GLYCOSYLPHOSPHATIDYLINOSITOL BIOSYNTHESIS DEFECT 4. Identifiers: Orphanet 300496, MedGen C3275508, MONDO:0010466, OMIM 300868.

Submission:

Labcorp Genetics (formerly Invitae), Labcorp
Classification: Uncertain significance for Multiple congenital anomalies-hypotonia-seizures syndrome 2. Last evaluated: 2022-03-23. Review status: criteria provided, single submitter. Criteria: Invitae Variant Classification Sherloc (09022015). Collection method: clinical testing. Allele origin: germline.
Comment: Algorithms developed to predict the effect of missense changes on protein structure and function are either unavailable or do not agree on the potential impact of this missense change (SIFT: "Deleterious"; PolyPhen-2: "Probably Damaging"; Align-GVGD: "Class C0"). This sequence change replaces histidine, which is basic and polar, with arginine, which is basic and polar, at codon 72 of the PIGA protein (p.His72Arg). This variant is not present in population databases (gnomAD no frequency). This variant has not been reported in the literature in individuals affected with PIGA-related conditions. ClinVar contains an entry for this variant (Variation ID: 1037518). In summary, the available evidence is currently insufficient to determine the role of this variant in disease. Therefore, it has been classified as a Variant of Uncertain Significance.